The following is an entry in ClinVar:

NM_001377229.1(DISP1):c.2696G>T (p.Arg899Met)

Gene: DISP1 (dispatched RND transporter family member 1; plus strand). Cytogenetic location: 1q41.
Variant type: single nucleotide variant.
Coding change: c.2696G>T on transcript NM_001377229.1 (MANE Select); coding-DNA position 2696, G replaced by T.
Protein change: p.Arg899Met; replaces arginine 899 with methionine.
Molecular consequence: missense variant.
Genome position (GRCh38, 1-based): chr1:223,004,093, G>T. VCF-style: chr1-223004093-G-T. GRCh37 (hg19) VCF-style: chr1-223177435-G-T.
Other names: c.1967G>T, p.Arg656Met (NM_001350630.2); c.2696G>T, p.Arg899Met (NM_001369594.1, NM_001377228.1, NM_032890.5); short protein forms R899M, R656M.
Identifiers: ClinVar variation 3724058 (VCV003724058.2).
Genomic context (GRCh38, chr1:223,004,093, plus strand): 5'-TCCCCTACAAGCAAGAGATTTTTGAACTGTGCATCAAGAGAGCTATCATGGAGCTGGAAA[G>T]GAGTACAGGGTACCATTTGGATAGCAAAACCCCAGGGCCGAGGTTTGATATCAATGATAC-3'
Protein context (NP_001364158.1, residues 889-909): CIKRAIMELE[Arg899Met]STGYHLDSKT

ClinVar aggregate classification (germline): Uncertain significance (1 of 4 stars; one submission).

Submission:

Labcorp Genetics (formerly Invitae), Labcorp
Classification: Uncertain significance. Last evaluated: 2025-01-06. Review status: criteria provided, single submitter. Criteria: Invitae Variant Classification Sherloc (09022015). Collection method: clinical testing. Allele origin: germline.
Comment: This sequence change replaces arginine, which is basic and polar, with methionine, which is neutral and non-polar, at codon 899 of the DISP1 protein (p.Arg899Met). This variant is not present in population databases (gnomAD no frequency). This variant has not been reported in the literature in individuals affected with DISP1-related conditions. An algorithm developed to predict the effect of missense changes on protein structure and function (PolyPhen-2) suggests that this variant is likely to be disruptive. In summary, the available evidence is currently insufficient to determine the role of this variant in disease. Therefore, it has been classified as a Variant of Uncertain Significance.